The following is an entry in ClinVar:

NM_006379.5(SEMA3C):c.11G>A (p.Arg4Gln)

Gene: SEMA3C (semaphorin 3C; minus strand). Cytogenetic location: 7q21.11.
Variant type: single nucleotide variant.
Coding change: c.11G>A on transcript NM_006379.5 (MANE Select); coding-DNA position 11, G replaced by A.
Protein change: p.Arg4Gln; replaces arginine 4 with glutamine.
Molecular consequence: missense variant. On other transcripts: 5 prime UTR variant (1).
Genome position (GRCh38, 1-based): chr7:80,916,771, C>T on the plus strand (G>A on the coding strand, the complement: SEMA3C is on the minus strand). VCF-style: chr7-80916771-C-T. GRCh37 (hg19) VCF-style: chr7-80546087-C-T.
Other names: c.65G>A, p.Arg22Gln (NM_001350120.2); c.-252G>A (NM_001350121.2); c.11G>A (NM_006379.3); short protein forms R22Q, R4Q.
Identifiers: ClinVar variation 3354324 (VCV003354324.2).
Genomic context (GRCh38, chr7:80,916,771, plus strand): 5'-TGGGAAGATCCTTTCACACAGATAGAACAAATAAATACTCCAACCAACACGCAAATTGTC[C>T]GGAATGCCATTTCTTCAGATATGCAAGTTAATATCCAAGGGAAAATACCTTTAAGAGAGA-3'
Protein context (NP_006370.1, residues 1-14): MAF[Arg4Gln]TICVLVGVFI

ClinVar aggregate classification (germline): Likely benign. Review status: criteria provided, single submitter (1 of 4 stars). 2 submissions from 2 submitters: Likely benign (1). 1 of the submissions does not count toward it. Last evaluated 2025-08-02.

Conditions:
SEMA3C-related disorder. Also called: SEMA3C-related condition.

gnomAD v4.1: 3 of 1,613,072 alleles (0.00019%); highest among the groups gnomAD compares: Admixed American, 0.0033%; no homozygotes.

Submissions (2):

Ambry Genetics
Classification: Likely benign. Last evaluated: 2025-08-02. Review status: criteria provided, single submitter. Criteria: Ambry Variant Classification Scheme 2023. Collection method: clinical testing. Allele origin: germline.

PreventionGenetics, part of Exact Sciences
Classification: Uncertain significance for SEMA3C-related condition. Last evaluated: 2024-05-08. Review status: no assertion criteria provided. Collection method: clinical testing. Allele origin: germline. Not counted in ClinVar's aggregate classification.
Comment: The SEMA3C c.65G>A variant is predicted to result in the amino acid substitution p.Arg22Gln. To our knowledge, this variant has not been reported in the literature. This variant is reported in 0.0058% of alleles in individuals of Latino descent in gnomAD. At this time, the clinical significance of this variant is uncertain due to the absence of conclusive functional and genetic evidence.